The following is an entry in ClinVar:

ClinVar aggregate classification (germline): Uncertain significance (1 of 4 stars; one submission).

Submission:

Labcorp Genetics (formerly Invitae), Labcorp
Classification: Uncertain significance. Last evaluated: 2022-09-25. Review status: criteria provided, single submitter. Criteria: Invitae Variant Classification Sherloc (09022015). Collection method: clinical testing. Allele origin: germline.
Comment: This variant, c.4786_4788del, results in the deletion of 1 amino acid(s) of the SRCAP protein (p.Ala1596del), but otherwise preserves the integrity of the reading frame. This variant is not present in population databases (gnomAD no frequency). This variant has not been reported in the literature in individuals affected with SRCAP-related conditions. Experimental studies and prediction algorithms are not available or were not evaluated, and the functional significance of this variant is currently unknown. In summary, the available evidence is currently insufficient to determine the role of this variant in disease. Therefore, it has been classified as a Variant of Uncertain Significance.

NM_006662.3(SRCAP):c.4786_4788del (p.Ala1596del)

Gene: SRCAP (Snf2 related CREBBP activator protein; plus strand). Cytogenetic location: 16p11.2.
Variant type: Deletion.
Coding change: c.4786_4788del on transcript NM_006662.3 (MANE Select); coding-DNA positions 4786 to 4788, 3 bases deleted (GCA; older notation c.4786_4788delGCA).
Protein change: p.Ala1596del; deletes alanine 1596.
Molecular consequence: inframe deletion.
Genome position (GRCh38, 1-based): chr16:30,724,210-30,724,212, GCA deleted; deleting any 3 consecutive bases within chr16:30,724,208-30,724,212 gives the same sequence; the c. name uses the placement nearest the transcript's 3' end. VCF-style (leftmost placement, unchanged base first): chr16-30724207-ACAG-A. GRCh37 (hg19) VCF-style: chr16-30735528-ACAG-A.
Other names: short protein forms A1596del.
Identifiers: ClinVar variation 2032583 (VCV002032583.4), dbSNP rs2506679950, ClinGen allele CA2580091483.